The following is an entry in ClinVar:

ClinVar aggregate classification (germline): Uncertain significance (1 of 4 stars; one submission).

Submission:

GeneDx
Classification: Uncertain significance. Last evaluated: 2024-04-05. Review status: criteria provided, single submitter. Criteria: GeneDx Variant Classification Process June 2021. Collection method: clinical testing. Allele origin: germline. Affected: yes.
Comment: Not observed at significant frequency in large population cohorts (gnomAD); Frameshift variant predicted to result in abnormal protein length as the last 155 amino acids are replaced with 14 different amino acids; Has not been previously published as pathogenic or benign to our knowledge

NM_004380.3(CREBBP):c.6859_6860dup (p.Gln2288fs)

Gene: CREBBP (CREB binding protein; minus strand). Cytogenetic location: 16p13.3.
Variant type: Duplication.
Coding change: c.6859_6860dup on transcript NM_004380.3 (MANE Select); coding-DNA positions 6859 to 6860, 2 bases duplicated (AT; older notation c.6859_6860dupAT).
Protein change: p.Gln2288fs; shifts the reading frame from glutamine 2288.
Molecular consequence: frameshift variant.
Genome position (GRCh38, 1-based): chr16:3,728,187-3,728,188, AT duplicated on the plus strand (AT on the coding strand, the reverse complement: CREBBP is on the minus strand). VCF-style (leftmost placement, unchanged base first): chr16-3728186-G-GAT. GRCh37 (hg19) VCF-style: chr16-3778187-G-GAT.
Other names: c.6745_6746dup, p.Gln2250fs (NM_001079846.1); short protein forms Q2250fs, Q2288fs.
Identifiers: ClinVar variation 3372064 (VCV003372064.1).